The following is an entry in ClinVar:

NM_017654.4(SAMD9):c.4576C>T (p.Leu1526Phe)

Gene: SAMD9 (sterile alpha motif domain containing 9; minus strand). Cytogenetic location: 7q21.2.
Variant type: single nucleotide variant.
Coding change: c.4576C>T on transcript NM_017654.4 (MANE Select); coding-DNA position 4576, C replaced by T.
Protein change: p.Leu1526Phe; replaces leucine 1526 with phenylalanine.
Molecular consequence: missense variant.
Genome position (GRCh38, 1-based): chr7:93,101,522, G>A on the plus strand (C>T on the coding strand, the complement: SAMD9 is on the minus strand). VCF-style: chr7-93101522-G-A. GRCh37 (hg19) VCF-style: chr7-92730835-G-A.
Other names: c.4576C>T, p.Leu1526Phe (NM_001193307.2); c.4576C>T (NM_017654.3); short protein forms L1526F.
Identifiers: ClinVar variation 3636728 (VCV003636728.3).

ClinVar aggregate classification (germline): Uncertain significance. Review status: criteria provided, multiple submitters, no conflicts (2 of 4 stars). 2 submissions from 2 submitters: Uncertain significance (2). Last evaluated 2025-09-21.

Conditions:
Inborn genetic diseases. Identifiers: MedGen C0950123, MeSH D030342.

gnomAD v4.1: 1 of 1,613,732 alleles (0.000062%); highest among the groups gnomAD compares: Non-Finnish European, 0.000085%; no homozygotes.

Submissions (2):

Ambry Genetics
Classification: Uncertain significance for Inborn genetic diseases. Last evaluated: 2025-09-21. Review status: criteria provided, single submitter. Criteria: Ambry Variant Classification Scheme 2023. Collection method: clinical testing. Allele origin: germline.
Comment: The p.L1526F variant (also known as c.4576C>T), located in coding exon 1 of the SAMD9 gene, results from a C to T substitution at nucleotide position 4576. The leucine at codon 1526 is replaced by phenylalanine, an amino acid with highly similar properties. This amino acid position is conserved. In addition, this alteration is predicted to be tolerated by in silico analysis. Based on the available evidence, the clinical significance of this variant remains unclear.

Labcorp Genetics (formerly Invitae), Labcorp
Classification: Uncertain significance. Last evaluated: 2025-03-24. Review status: criteria provided, single submitter. Criteria: Invitae Variant Classification Sherloc (09022015). Collection method: clinical testing. Allele origin: germline.
Comment: This sequence change replaces leucine, which is neutral and non-polar, with phenylalanine, which is neutral and non-polar, at codon 1526 of the SAMD9 protein (p.Leu1526Phe). This variant is present in population databases (rs765833713, gnomAD 0.0009%). This variant has not been reported in the literature in individuals affected with SAMD9-related conditions. Invitae Evidence Modeling of protein sequence and biophysical properties (such as structural, functional, and spatial information, amino acid conservation, physicochemical variation, residue mobility, and thermodynamic stability) indicates that this missense variant is not expected to disrupt SAMD9 protein function with a negative predictive value of 95%. In summary, the available evidence is currently insufficient to determine the role of this variant in disease. Therefore, it has been classified as a Variant of Uncertain Significance.